The following is an entry in ClinVar:

ClinVar aggregate classification (germline): Likely pathogenic (1 of 4 stars; one submission).

Conditions:
Familial dysautonomia. Also called: FD; HSAN III. Identifiers: Orphanet 1764, MedGen C0013364, MONDO:0009131, OMIM 223900. Disease mechanism: loss of function.

Submission:

Natera, Inc.
Classification: Likely pathogenic for Familial dysautonomia. Last evaluated: 2025-01-23. Review status: criteria provided, single submitter. Criteria: Natera Variant Classification Schema (03/2026). Collection method: clinical testing. Allele origin: germline.
Comment: The c.3838C>T variant in ELP1 is a nonsense variant predicted to introduce a stop codon at amino acid 1280. This variant is expected to result in nonsense mediated decay, truncation, or a dysfunctional protein product. This variant is rare in the general population with a frequency below the threshold expected for the associated phenotype(s). Given the available evidence, this variant is classified as Likely Pathogenic.

NM_003640.5(ELP1):c.3838C>T (p.Gln1280Ter)

Gene: ELP1 (elongator acetyltransferase complex subunit 1; minus strand). Cytogenetic location: 9q31.3.
Variant type: single nucleotide variant.
Coding change: c.3838C>T on transcript NM_003640.5 (MANE Select); coding-DNA position 3838, C replaced by T.
Protein change: p.Gln1280Ter; replaces glutamine 1280 with a stop codon.
Molecular consequence: nonsense.
Genome position (GRCh38, 1-based): chr9:108,878,012, G>A on the plus strand (C>T on the coding strand, the complement: ELP1 is on the minus strand). VCF-style: chr9-108878012-G-A. GRCh37 (hg19) VCF-style: chr9-111640292-G-A.
Other names: c.3496C>T, p.Gln1166Ter (NM_001318360.2); c.2791C>T, p.Gln931Ter (NM_001330749.2); short protein forms Q1166*, Q1280*, Q931*.
Identifiers: ClinVar variation 4067332 (VCV004067332.2).